The following is an entry in ClinVar:

ClinVar aggregate classification (germline): Pathogenic/Likely pathogenic. Review status: criteria provided, multiple submitters, no conflicts (2 of 4 stars). 4 submissions from 4 submitters: Pathogenic (3); Likely pathogenic (1). Last evaluated 2024-01-05.

Conditions:
Kabuki syndrome 2 (KABUK2). Also called: KDM6A-Related Kabuki Syndrome. Identifiers: Orphanet 2322, MedGen C3275495, MONDO:0010465, OMIM 300867.
Anemia. Also called: Anemia (disease). Identifiers: MedGen C0002871, MONDO:0002280, HP:0001903.

Submissions (4):

Fulgent Genetics
Classification: Pathogenic for Kabuki syndrome 2. Last evaluated: 2024-01-05. Review status: criteria provided, single submitter. Criteria: ACMG Guidelines, 2015. Collection method: clinical testing. Allele origin: germline.

Victorian Clinical Genetics Services, Murdoch Childrens Research Institute
Classification: Pathogenic for Kabuki syndrome 2. Last evaluated: 2023-07-17. Review status: criteria provided, single submitter. Criteria: ACMG Guidelines, 2015. Collection method: clinical testing. Allele origin: germline. Inheritance: X-linked dominant inheritance. Affected: yes.
Comment: Based on the classification scheme VCGS_Germline_v1.3.4, this variant is classified as Pathogenic. Following criteria are met: 0102 - Loss of function is a known mechanism of disease in this gene and is associated with Kabuki syndrome 2 (MIM#300867). (I) 0110 - This gene is associated with X-linked dominant disease. (I) 0201 - Variant is predicted to cause nonsense-mediated decay (NMD) and loss of protein (premature termination codon is located at least 54 nucleotides upstream of the final exon-exon junction). (SP) 0251 - This variant is heterozygous. (I) 0301 - Variant is absent from gnomAD (both v2 and v3). (SP) 0701 - Other NMD predicted variants comparable to the one identified in this case have very strong previous evidence for pathogenicity (DECIPHER). (SP) 0803 - This variant has limited previous evidence of pathogenicity in unrelated individuals. This variant has been reported as pathogenic in at least two individuals affected with Kabuki syndrome (ClinVar, PMID: 23913813). (SP) 1208 - Inheritance information for this variant is not currently available in this individual. (I) Legend: (SP) - Supporting pathogenic, (I) - Information, (SB) - Supporting benign

Cambridge Genomics Laboratory, East Genomic Laboratory Hub, NHS Genomic Medicine Service
Classification: Likely pathogenic for Anemia. Last evaluated: 2020-02-01. Review status: criteria provided, single submitter. Criteria: ACGS Best Practice Guidelines for Variant Classification in Rare Disease 2020. Collection method: clinical testing. Allele origin: germline. Affected: yes. Observed: 1 variant allele.

Labcorp Genetics (formerly Invitae), Labcorp
Classification: Pathogenic for Kabuki syndrome 2. Last evaluated: 2018-10-23. Review status: criteria provided, single submitter. Criteria: Invitae Variant Classification Sherloc (09022015). Collection method: clinical testing. Allele origin: germline.
Comment: This sequence change creates a premature translational stop signal (p.Arg1351*) in the KDM6A gene. It is expected to result in an absent or disrupted protein product. This variant is not present in population databases (ExAC no frequency). This variant has been observed in an individual affected withÂ¬â€ Kabuki syndromeÂ¬â€ (PMID: 23913813). Loss-of-function variants in KDM6A are known to be pathogenic (PMID: 23076834). For these reasons, this variant has been classified as Pathogenic.

Literature cited by the submitters: PubMed 23913813 (cited by Victorian Clinical Genetics Services, Murdoch Childrens Research Institute and Labcorp Genetics (formerly Invitae), Labcorp).

NM_001291415.2(KDM6A):c.4207C>T (p.Arg1403Ter)

Gene: KDM6A (lysine demethylase 6A; plus strand). Cytogenetic location: Xp11.3.
Variant type: single nucleotide variant.
Coding change: c.4207C>T on transcript NM_001291415.2 (MANE Select); coding-DNA position 4207, C replaced by T.
Protein change: p.Arg1403Ter; replaces arginine 1403 with a stop codon.
Molecular consequence: nonsense. On other transcripts: non-coding transcript variant (1).
Genome position (GRCh38, 1-based): chrX:45,110,124, C>T. VCF-style: chrX-45110124-C-T. GRCh37 (hg19) VCF-style: chrX-44969369-C-T.
Other names: c.3814C>T, p.Arg1272Ter (NM_001291418.2); c.3163C>T, p.Arg1055Ter (NM_001291421.2); c.4051C>T, p.Arg1351Ter (NM_021140.4); c.4072C>T, p.Arg1358Ter (NM_001291416.2); c.3916C>T, p.Arg1306Ter (NM_001291417.2); c.4207C>T (NM_001291415.1); short protein forms R1055*, R1306*, R1351*, R1272*, R1403*, R1358*.
Identifiers: ClinVar variation 644617 (VCV000644617.4), dbSNP rs1318649487, ClinGen allele CA412777018.